The following is an entry in ClinVar:

ClinVar aggregate classification (germline): Uncertain significance (1 of 4 stars; one submission).

Allele frequency attached by ClinVar (database versions not stated): gnomAD 0.00001; TOPMed 0.00001.
gnomAD v4.1: 1 of 1,614,002 alleles (0.000062%); highest among the groups gnomAD compares: African/African-American, 0.0013%; no homozygotes.

Submission:

GeneDx
Classification: Uncertain significance. Last evaluated: 2022-12-23. Review status: criteria provided, single submitter. Criteria: GeneDx Variant Classification Process June 2021. Collection method: clinical testing. Allele origin: germline. Affected: yes.
Comment: Not observed at significant frequency in large population cohorts (gnomAD); In silico analysis supports that this missense variant has a deleterious effect on protein structure/function; Has not been previously published as pathogenic or benign to our knowledge

NM_005609.4(PYGM):c.562A>G (p.Asn188Asp)

Gene: PYGM (glycogen phosphorylase, muscle associated; minus strand). Cytogenetic location: 11q13.1.
Variant type: single nucleotide variant.
Coding change: c.562A>G on transcript NM_005609.4 (MANE Select); coding-DNA position 562, A replaced by G.
Protein change: p.Asn188Asp; replaces asparagine 188 with aspartic acid.
Molecular consequence: missense variant.
Genome position (GRCh38, 1-based): chr11:64,757,877, T>C on the plus strand (A>G on the coding strand, the complement: PYGM is on the minus strand). VCF-style: chr11-64757877-T-C. GRCh37 (hg19) VCF-style: chr11-64525349-T-C.
Other names: c.298A>G, p.Asn100Asp (NM_001164716.1); short protein forms N100D, N188D.
Identifiers: ClinVar variation 2506645 (VCV002506645.1), dbSNP rs1365127902, ClinGen allele CA381107956.
Genomic context (GRCh38, chr11:64,757,877, plus strand): 5'-CCACATGGCCGTAGAAGTGCACAGGTAGCGTGAACTCGGGCCGGGCCTTCTCCCAGGGGT[T>C]GCCGTAGCGAAGCCAGTCATCGGCCTCCTCCATCTGCACCCAAGGCAGGTCAGGGAGAAA-3'
Protein context (NP_005600.1, residues 178-198): EEADDWLRYG[Asn188Asp]PWEKARPEFT